The following is an entry in ClinVar:

NM_001042681.2(RERE):c.2804C>T (p.Pro935Leu)

Gene: RERE (arginine-glutamic acid dipeptide repeats; minus strand). Cytogenetic location: 1p36.23.
Variant type: single nucleotide variant.
Coding change: c.2804C>T on transcript NM_001042681.2 (MANE Select); coding-DNA position 2804, C replaced by T.
Protein change: p.Pro935Leu; replaces proline 935 with leucine.
Molecular consequence: missense variant.
Genome position (GRCh38, 1-based): chr1:8,360,703, G>A on the plus strand (C>T on the coding strand, the complement: RERE is on the minus strand). VCF-style: chr1-8360703-G-A. GRCh37 (hg19) VCF-style: chr1-8420763-G-A.
Other names: c.1142C>T, p.Pro381Leu (NM_001042682.2); c.2804C>T, p.Pro935Leu (NM_012102.4); short protein forms P381L, P935L.
Identifiers: ClinVar variation 4538044 (VCV004538044.1).
Genomic context (GRCh38, chr1:8,360,703, plus strand): 5'-GAGGGCCCCGAGAGGTGGGGAGGGTGCTTGTGGGCCTGTGGCGCCGGCAGCTGGGGGATG[G>A]GAGTGGTAGGCGGGGGCTTGATGTGGGGCATGGCCAAGGGCGCTGGTGGCAGGGGCTGCT-3'
Protein context (NP_001036146.1, residues 925-945): MPHIKPPPTT[Pro935Leu]IPQLPAPQAH

ClinVar aggregate classification (germline): Uncertain significance (1 of 4 stars; one submission).

Submission:

GeneDx
Classification: Uncertain significance. Last evaluated: 2025-06-11. Review status: criteria provided, single submitter. Criteria: GeneDx Variant Classification Process June 2021. Collection method: clinical testing. Allele origin: germline. Affected: yes.
Comment: Not observed at significant frequency in large population cohorts (gnomAD); In silico analysis supports that this missense variant has a deleterious effect on protein structure/function; Has not been previously published as pathogenic or benign to our knowledge